The following is an entry in ClinVar:

ClinVar aggregate classification (germline): Likely pathogenic (1 of 4 stars; one submission).

Conditions:
NR5A1-related disorder. Also called: NR5A1-related condition.

Submission:

PreventionGenetics, part of Exact Sciences
Classification: Likely pathogenic for NR5A1-related condition. Last evaluated: 2023-10-04. Review status: criteria provided, single submitter. Criteria: ACMG Guidelines, 2015. Collection method: clinical testing. Allele origin: germline.
Comment: The NR5A1 c.245-39_252del47 variant is predicted to result in a frameshift and premature protein termination (p.Ala82Glyfs*2). To our knowledge, this variant has not been reported in the literature or in a large population database, indicating this variant is rare. Frameshift variants in NR5A1 are expected to be pathogenic. This variant is interpreted as likely pathogenic.

NM_004959.5(NR5A1):c.245-39_252del

Gene: NR5A1 (nuclear receptor subfamily 5 group A member 1; minus strand). Cytogenetic location: 9q33.3.
Variant type: Deletion.
Coding change: c.245-39_252del on transcript NM_004959.5 (MANE Select); 39 bases into the intron before coding-DNA position 245 through coding-DNA position 252, 47 bases deleted.
Molecular consequence: splice acceptor variant.
Genome position (GRCh38, 1-based): chr9:124,500,708-124,500,754, 47 bases deleted; deleting any 47 consecutive bases within chr9:124,500,708-124,500,756 gives the same sequence; the c. name uses the placement nearest the transcript's 3' end. GRCh37 (hg19): chr9:127,262,989-127,263,035.
Identifiers: ClinVar variation 2630854 (VCV002630854.1), dbSNP rs2538684736, ClinGen allele CA2695199408.
Genomic context (GRCh38, chr9:124,500,707, plus strand): 5'-GGGCCCGGTCCCGCTTGTACATCGGCCCAAACTTGTTCCGGCCACCCCTCATACGGTCAG[CGCGCACGGCTGTGGGCAGGGGCAGAGGGTCAGACTCACCCTCTCTAA>C]GCCCCCTTCCATGCTGCCCCACCACAGATCCTTTCCAAACAAATCTGACCGCTCTCTCCC-3'